The following is an entry in ClinVar:

NM_001080414.4(CCDC88C):c.4136G>C (p.Arg1379Thr)

Gene: CCDC88C (coiled-coil domain containing 88C; minus strand). Cytogenetic location: 14q32.11.
Variant type: single nucleotide variant.
Coding change: c.4136G>C on transcript NM_001080414.4 (MANE Select); coding-DNA position 4136, G replaced by C.
Protein change: p.Arg1379Thr; replaces arginine 1379 with threonine.
Molecular consequence: missense variant.
Genome position (GRCh38, 1-based): chr14:91,291,061, C>G on the plus strand (G>C on the coding strand, the complement: CCDC88C is on the minus strand). VCF-style: chr14-91291061-C-G. GRCh37 (hg19) VCF-style: chr14-91757405-C-G.
Other names: short protein forms R1379T.
Identifiers: ClinVar variation 2025586 (VCV002025586.1), dbSNP rs754234051, ClinGen allele CA265540550.

ClinVar aggregate classification (germline): Uncertain significance (1 of 4 stars; one submission).

Allele frequency attached by ClinVar (database versions not stated): TOPMed below 0.00001.

Submission:

Labcorp Genetics (formerly Invitae), Labcorp
Classification: Uncertain significance. Last evaluated: 2022-08-21. Review status: criteria provided, single submitter. Criteria: Invitae Variant Classification Sherloc (09022015). Collection method: clinical testing. Allele origin: germline.
Comment: This sequence change replaces arginine, which is basic and polar, with threonine, which is neutral and polar, at codon 1379 of the CCDC88C protein (p.Arg1379Thr). This variant is not present in population databases (gnomAD no frequency). This variant has not been reported in the literature in individuals affected with CCDC88C-related conditions. Algorithms developed to predict the effect of missense changes on protein structure and function are either unavailable or do not agree on the potential impact of this missense change (SIFT: "Deleterious"; PolyPhen-2: "Probably Damaging"; Align-GVGD: "Class C0"). In summary, the available evidence is currently insufficient to determine the role of this variant in disease. Therefore, it has been classified as a Variant of Uncertain Significance.